The following is an entry in ClinVar:

NM_014639.4(SKIC3):c.455A>C (p.Glu152Ala)

Gene: SKIC3 (SKI3 subunit of superkiller complex; minus strand). Cytogenetic location: 5q15.
Variant type: single nucleotide variant.
Coding change: c.455A>C on transcript NM_014639.4 (MANE Select); coding-DNA position 455, A replaced by C.
Protein change: p.Glu152Ala; replaces glutamic acid 152 with alanine.
Molecular consequence: missense variant.
Genome position (GRCh38, 1-based): chr5:95,540,778, T>G on the plus strand (A>C on the coding strand, the complement: SKIC3 is on the minus strand). VCF-style: chr5-95540778-T-G. GRCh37 (hg19) VCF-style: chr5-94876482-T-G.
Other names: short protein forms E152A.
Identifiers: ClinVar variation 1509313 (VCV001509313.8), dbSNP rs1170896786, ClinGen allele CA360443361.

ClinVar aggregate classification (germline): Uncertain significance (1 of 4 stars; one submission).

Allele frequency attached by ClinVar (database versions not stated): gnomAD exomes below 0.00001 and 0.00002; TOPMed below 0.00001.
gnomAD v4.1: 24 of 1,614,186 alleles (0.0015%); highest among the groups gnomAD compares: Non-Finnish European, 0.002%; no homozygotes.

Submission:

Labcorp Genetics (formerly Invitae), Labcorp
Classification: Uncertain significance. Last evaluated: 2022-02-05. Review status: criteria provided, single submitter. Criteria: Invitae Variant Classification Sherloc (09022015). Collection method: clinical testing. Allele origin: germline.
Comment: Algorithms developed to predict the effect of missense changes on protein structure and function (SIFT, PolyPhen-2, Align-GVGD) all suggest that this variant is likely to be tolerated. This variant has not been reported in the literature in individuals affected with TTC37-related conditions. This variant is present in population databases (no rsID available, gnomAD 0.0009%). This sequence change replaces glutamic acid, which is acidic and polar, with alanine, which is neutral and non-polar, at codon 152 of the TTC37 protein (p.Glu152Ala). In summary, the available evidence is currently insufficient to determine the role of this variant in disease. Therefore, it has been classified as a Variant of Uncertain Significance.